The following is an entry in ClinVar:

ClinVar aggregate classification (germline): Uncertain significance (1 of 4 stars; one submission).

Conditions:
Inborn genetic diseases. Identifiers: MedGen C0950123, MeSH D030342.

Submission:

Ambry Genetics
Classification: Uncertain significance for Inborn genetic diseases. Last evaluated: 2026-07-20. Review status: criteria provided, single submitter. Criteria: Ambry Variant Classification Scheme 2023. Collection method: clinical testing. Allele origin: germline.
Comment: The p.E991G variant (also known as c.2972A>G), located in coding exon 14 of the FANCM gene, results from an A to G substitution at nucleotide position 2972. The glutamic acid at codon 991 is replaced by glycine, an amino acid with similar properties. This amino acid position is conserved. In addition, this alteration is predicted to be tolerated by in silico analysis. Based on the available evidence, the clinical significance of this variant remains unclear.

NM_020937.4(FANCM):c.2972A>G (p.Glu991Gly)

Gene: FANCM (FA complementation group M; plus strand). Cytogenetic location: 14q21.2.
Variant type: single nucleotide variant.
Coding change: c.2972A>G on transcript NM_020937.4 (MANE Select); coding-DNA position 2972, A replaced by G.
Protein change: p.Glu991Gly; replaces glutamic acid 991 with glycine.
Molecular consequence: missense variant.
Genome position (GRCh38, 1-based): chr14:45,175,726, A>G. VCF-style: chr14-45175726-A-G. GRCh37 (hg19) VCF-style: chr14-45644929-A-G.
Other names: c.2894A>G, p.Glu965Gly (NM_001308133.2); short protein forms E965G, E991G.
Identifiers: ClinVar variation 5036629 (VCV005036629.1).